The following is an entry in ClinVar:

NM_001206927.2(DNAH8):c.4976C>T (p.Thr1659Ile)

Gene: DNAH8 (dynein axonemal heavy chain 8; plus strand). Cytogenetic location: 6p21.2.
Variant type: single nucleotide variant.
Coding change: c.4976C>T on transcript NM_001206927.2 (MANE Select); coding-DNA position 4976, C replaced by T.
Protein change: p.Thr1659Ile; replaces threonine 1659 with isoleucine.
Molecular consequence: missense variant.
Genome position (GRCh38, 1-based): chr6:38,845,704, C>T. VCF-style: chr6-38845704-C-T. GRCh37 (hg19) VCF-style: chr6-38813480-C-T.
Other names: c.4325C>T, p.Thr1442Ile (NM_001371.4); short protein forms T1442I, T1659I.
Identifiers: ClinVar variation 946471 (VCV000946471.9), dbSNP rs751367633, ClinGen allele CA3789247.
Genomic context (GRCh38, chr6:38,845,704, plus strand): 5'-CCAACCAAAATCTGAGTTTTGCAGCATTTAAGGGAAAAGGAGAGCTCCTGCTCAAAGGAA[C>T]CGAATCGGGAGAAATTATCACTTTGATGGAGGATAGTTTAATGGTCTTAGGGTCTTTACT-3'
Protein context (NP_001193856.1, residues 1649-1669): KGKGELLLKG[Thr1659Ile]ESGEIITLME

ClinVar aggregate classification (germline): Uncertain significance. Review status: criteria provided, multiple submitters, no conflicts (2 of 4 stars). 2 submissions from 2 submitters: Uncertain significance (2). Last evaluated 2024-11-12.

Conditions:
Primary ciliary dyskinesia. Also called: Ciliary dyskinesia. Identifiers: Orphanet 244, MedGen C0008780, MONDO:0016575, HP:0012265.

Allele frequency attached by ClinVar (database versions not stated): gnomAD exomes 0.00001; TOPMed 0.00001; ExAC 0.00002.
gnomAD v4.1: 3 of 1,613,904 alleles (0.00019%); highest among the groups gnomAD compares: Admixed American, 0.0033%; no homozygotes.

Submissions (2):

Ambry Genetics
Classification: Uncertain significance. Last evaluated: 2024-11-12. Review status: criteria provided, single submitter. Criteria: Ambry Variant Classification Scheme 2023. Collection method: clinical testing. Allele origin: germline.

Labcorp Genetics (formerly Invitae), Labcorp
Classification: Uncertain significance for Primary ciliary dyskinesia. Last evaluated: 2023-03-04. Review status: criteria provided, single submitter. Criteria: Invitae Variant Classification Sherloc (09022015). Collection method: clinical testing. Allele origin: germline.
Comment: This sequence change replaces threonine, which is neutral and polar, with isoleucine, which is neutral and non-polar, at codon 1659 of the DNAH8 protein (p.Thr1659Ile). In summary, the available evidence is currently insufficient to determine the role of this variant in disease. Therefore, it has been classified as a Variant of Uncertain Significance. Advanced modeling of protein sequence and biophysical properties (such as structural, functional, and spatial information, amino acid conservation, physicochemical variation, residue mobility, and thermodynamic stability) performed at Invitae indicates that this missense variant is expected to disrupt DNAH8 protein function. ClinVar contains an entry for this variant (Variation ID: 946471). This variant has not been reported in the literature in individuals affected with DNAH8-related conditions. This variant is present in population databases (rs751367633, gnomAD 0.009%).